The following is an entry in ClinVar:

ClinVar aggregate classification (germline): Conflicting classifications of pathogenicity. Review status: criteria provided, conflicting classifications (1 of 4 stars). 2 submissions from 2 submitters: Uncertain significance (1); Likely benign (1). Last evaluated 2025-07-13.

Allele frequency attached by ClinVar (database versions not stated): gnomAD 0.00001; gnomAD exomes 0.00003 and 0.00004; TOPMed 0.00003; ExAC 0.00012.
gnomAD v4.1: 59 of 1,610,178 alleles (0.0037%); highest among the groups gnomAD compares: Non-Finnish European, 0.005%; no homozygotes.

Submissions (2):

Ambry Genetics
Classification: Likely benign. Last evaluated: 2025-07-13. Review status: criteria provided, single submitter. Criteria: Ambry Variant Classification Scheme 2023. Collection method: clinical testing. Allele origin: germline.

Labcorp Genetics (formerly Invitae), Labcorp
Classification: Uncertain significance. Last evaluated: 2024-10-03. Review status: criteria provided, single submitter. Criteria: Invitae Variant Classification Sherloc (09022015). Collection method: clinical testing. Allele origin: germline.
Comment: This sequence change replaces histidine, which is basic and polar, with proline, which is neutral and non-polar, at codon 401 of the MKL1 protein (p.His401Pro). This variant is present in population databases (rs767947292, gnomAD 0.007%). This variant has not been reported in the literature in individuals affected with MKL1-related conditions. ClinVar contains an entry for this variant (Variation ID: 1683077). An algorithm developed to predict the effect of missense changes on protein structure and function outputs the following: PolyPhen-2: "Benign". The proline amino acid residue is found in multiple mammalian species, which suggests that this missense change does not adversely affect protein function. In summary, the available evidence is currently insufficient to determine the role of this variant in disease. Therefore, it has been classified as a Variant of Uncertain Significance.

NM_020831.6(MRTFA):c.1502A>C (p.His501Pro)

Gene: MRTFA (myocardin related transcription factor A; minus strand). Cytogenetic location: 22q13.1.
Variant type: single nucleotide variant.
Coding change: c.1502A>C on transcript NM_020831.6 (MANE Select); coding-DNA position 1502, A replaced by C.
Protein change: p.His501Pro; replaces histidine 501 with proline.
Molecular consequence: missense variant.
Genome position (GRCh38, 1-based): chr22:40,419,236, T>G on the plus strand (A>C on the coding strand, the complement: MRTFA is on the minus strand). VCF-style: chr22-40419236-T-G. GRCh37 (hg19) VCF-style: chr22-40815240-T-G.
Other names: c.1202A>C (NM_020831.3); c.1202A>C, p.His401Pro (NM_001282660.2); c.1352A>C, p.His451Pro (NM_001282661.3); c.1502A>C, p.His501Pro (NM_001282662.3); c.1307A>C, p.His436Pro (NM_001318139.2); short protein forms H401P, H436P, H451P, H501P.
Identifiers: ClinVar variation 1683077 (VCV001683077.9), dbSNP rs767947292, ClinGen allele CA10249657.
Genomic context (GRCh38, chr22:40,419,236, plus strand): 5'-AGGGCTGGCCCCGTGCTCAGCCGGGCCGCTGGGAAGGCTACCACCACCTCGCCAGCCTTG[T>G]GCAGGATAGAGGTGGCGGCAGGGGCCTTGGGGGCTCCTGGCACAGGGCTGATTTGGTCTT-3'
Protein context (NP_065882.2, residues 491-511): PKAPAATSIL[His501Pro]KAGEVVVAFP